The following is an entry in ClinVar:

ClinVar aggregate classification (germline): Uncertain significance. Review status: criteria provided, multiple submitters, no conflicts (2 of 4 stars). 2 submissions from 2 submitters: Uncertain significance (2). Last evaluated 2022-03-18.

Conditions:
Inborn genetic diseases. Identifiers: MedGen C0950123, MeSH D030342.
Epilepsy, X-linked 1, with variable learning disabilities and behavior disorders. Also called: X-linked epilepsy-learning disabilities-behavior disorders syndrome. Identifiers: Orphanet 85294, MedGen C5774177, MONDO:0010339, OMIM 300491.

Allele frequency attached by ClinVar (database versions not stated): gnomAD exomes 0.00001.
gnomAD v4.1: 1 of 1,202,969 alleles (0.000083%); highest among the groups gnomAD compares: East Asian, 0.003%; no homozygotes.

Submissions (2):

Labcorp Genetics (formerly Invitae), Labcorp
Classification: Uncertain significance for Epilepsy, X-linked 1, with variable learning disabilities and behavior disorders. Last evaluated: 2022-03-18. Review status: criteria provided, single submitter. Criteria: Invitae Variant Classification Sherloc (09022015). Collection method: clinical testing. Allele origin: germline.
Comment: ClinVar contains an entry for this variant (Variation ID: 589101). Algorithms developed to predict the effect of missense changes on protein structure and function are either unavailable or do not agree on the potential impact of this missense change (SIFT: "Deleterious"; PolyPhen-2: "Possibly Damaging"; Align-GVGD: "Class C0"). This variant has not been reported in the literature in individuals affected with SYN1-related conditions. The frequency data for this variant in the population databases is considered unreliable, as metrics indicate poor data quality at this position in the gnomAD database. This sequence change replaces threonine, which is neutral and polar, with lysine, which is basic and polar, at codon 359 of the SYN1 protein (p.Thr359Lys). In summary, the available evidence is currently insufficient to determine the role of this variant in disease. Therefore, it has been classified as a Variant of Uncertain Significance.

Ambry Genetics
Classification: Uncertain significance for Inborn genetic diseases. Last evaluated: 2017-06-02. Review status: criteria provided, single submitter. Criteria: Ambry Variant Classification Scheme 2023. Collection method: clinical testing. Allele origin: germline.
Comment: The p.T359K variant (also known as c.1076C>A), located in coding exon 9 of the SYN1 gene, results from a C to A substitution at nucleotide position 1076. The threonine at codon 359 is replaced by lysine, an amino acid with similar properties. This amino acid position is not well conserved in available vertebrate species. In addition, the in silico prediction for this alteration is inconclusive. Since supporting evidence is limited at this time, the clinical significance of this alteration remains unclear.

NM_006950.3(SYN1):c.1076C>A (p.Thr359Lys)

Gene: SYN1 (synapsin I; minus strand). Cytogenetic location: Xp11.3.
Variant type: single nucleotide variant.
Coding change: c.1076C>A on transcript NM_006950.3 (MANE Select); coding-DNA position 1076, C replaced by A.
Protein change: p.Thr359Lys; replaces threonine 359 with lysine.
Molecular consequence: missense variant.
Genome position (GRCh38, 1-based): chrX:47,576,213, G>T on the plus strand (C>A on the coding strand, the complement: SYN1 is on the minus strand). VCF-style: chrX-47576213-G-T. GRCh37 (hg19) VCF-style: chrX-47435612-G-T.
Other names: c.1076C>A, p.Thr359Lys (NM_133499.2); short protein forms T359K.
Identifiers: ClinVar variation 589101 (VCV000589101.11), dbSNP rs765183335, ClinGen allele CA10398413.